The following is an entry in ClinVar:

ClinVar aggregate classification (germline): Uncertain significance (1 of 4 stars; one submission).

Allele frequency attached by ClinVar (database versions not stated): TOPMed 0.00003; ExAC 0.00005.
gnomAD v4.1: 82 of 1,600,114 alleles (0.0051%); highest among the groups gnomAD compares: Non-Finnish European, 0.0062%; no homozygotes.

Submission:

Labcorp Genetics (formerly Invitae), Labcorp
Classification: Uncertain significance. Last evaluated: 2024-08-13. Review status: criteria provided, single submitter. Criteria: Invitae Variant Classification Sherloc (09022015). Collection method: clinical testing. Allele origin: germline.
Comment: This sequence change replaces alanine, which is neutral and non-polar, with threonine, which is neutral and polar, at codon 1116 of the CCDC88C protein (p.Ala1116Thr). This variant is present in population databases (rs747270341, gnomAD 0.007%). This variant has not been reported in the literature in individuals affected with CCDC88C-related conditions. ClinVar contains an entry for this variant (Variation ID: 2418437). An algorithm developed to predict the effect of missense changes on protein structure and function (PolyPhen-2) suggests that this variant is likely to be disruptive. In summary, the available evidence is currently insufficient to determine the role of this variant in disease. Therefore, it has been classified as a Variant of Uncertain Significance.

NM_001080414.4(CCDC88C):c.3346G>A (p.Ala1116Thr)

Gene: CCDC88C (coiled-coil and HOOK domain protein 88C; minus strand). Cytogenetic location: 14q32.11.
Variant type: single nucleotide variant.
Coding change: c.3346G>A on transcript NM_001080414.4 (MANE Select); coding-DNA position 3346, G replaced by A.
Protein change: p.Ala1116Thr; replaces alanine 1116 with threonine.
Molecular consequence: missense variant.
Genome position (GRCh38, 1-based): chr14:91,305,776, C>T on the plus strand (G>A on the coding strand, the complement: CCDC88C is on the minus strand). VCF-style: chr14-91305776-C-T. GRCh37 (hg19) VCF-style: chr14-91772120-C-T.
Other names: short protein forms A1116T.
Identifiers: ClinVar variation 2418437 (VCV002418437.5), dbSNP rs747270341, ClinGen allele CA7309389.
Genomic context (GRCh38, chr14:91,305,776, plus strand): 5'-TAAACATCCCGCCAGGCTTGTGACCACTGGTGTTGGGAGCCCCGCTCACCTGCAGCTTGG[C>T]GGTCTGGGTCTGCAGTGTGGTGTTGTGCTCCTGCAGGAAGGCGCTCTGTTTCTGCAGTGT-3'
Protein context (NP_001073883.2, residues 1106-1126): EHNTTLQTQT[Ala1116Thr]KLQVENSTLS